The following is an entry in ClinVar:

NM_003738.5(PTCH2):c.2178C>A (p.Phe726Leu)

Gene: PTCH2 (patched 2; minus strand). Cytogenetic location: 1p34.1.
Variant type: single nucleotide variant.
Coding change: c.2178C>A on transcript NM_003738.5 (MANE Select); coding-DNA position 2178, C replaced by A.
Protein change: p.Phe726Leu; replaces phenylalanine 726 with leucine.
Molecular consequence: missense variant.
Genome position (GRCh38, 1-based): chr1:44,827,595, G>T on the plus strand (C>A on the coding strand, the complement: PTCH2 is on the minus strand). VCF-style: chr1-44827595-G-T. GRCh37 (hg19) VCF-style: chr1-45293267-G-T.
Other names: c.2178C>A, p.Phe726Leu (NM_001166292.2); short protein forms F726L.
Identifiers: ClinVar variation 646239 (VCV000646239.10), dbSNP rs1573645770, ClinGen allele CA340096627.
Genomic context (GRCh38, chr1:44,827,595, plus strand): 5'-GCCACCCTGGGTCACCAGGGCCACCTCGTACAGGGAGAAGTACCTGAGCTGGGCGCTCAG[G>T]AAGGCATGCTCCTTGGTGCCCCGAGGCACCACATCCGTCAGGGCCAGGCCGTCTTGCACC-3'
Protein context (NP_003729.3, residues 716-736): VVPRGTKEHA[Phe726Leu]LSAQLRYFSL

ClinVar aggregate classification (germline): Uncertain significance. Review status: criteria provided, multiple submitters, no conflicts (2 of 4 stars). 2 submissions from 2 submitters: Uncertain significance (2). Last evaluated 2025-07-31.

Conditions:
Basal cell carcinoma, susceptibility to, 1. Also called: BCC1. Identifiers: MedGen C2751544, MONDO:0011556, OMIM 605462.
Medulloblastoma (MDB). Also called: MEDULLOBLASTOMA PREDISPOSITION SYNDROME; Medulloblastoma, somatic. Identifiers: Orphanet 616, MedGen C0025149, MeSH D008527, MONDO:0007959, OMIM 155255, HP:0002885.
Gorlin syndrome. Also called: Basal cell nevus syndrome; Nevoid Basal Cell Carcinoma Syndrome. Identifiers: Orphanet 377, MedGen C0004779, MONDO:0007187.

gnomAD v4.1: 1 of 1,614,066 alleles (0.000062%); highest among the groups gnomAD compares: Non-Finnish European, 0.000085%; no homozygotes.

Submissions (2):

Labcorp Genetics (formerly Invitae), Labcorp
Classification: Uncertain significance for Gorlin syndrome. Last evaluated: 2025-07-31. Review status: criteria provided, single submitter. Criteria: Invitae Variant Classification Sherloc (09022015). Collection method: clinical testing. Allele origin: germline.
Comment: This sequence change replaces phenylalanine, which is neutral and non-polar, with leucine, which is neutral and non-polar, at codon 726 of the PTCH2 protein (p.Phe726Leu). This variant is not present in population databases (gnomAD no frequency). This variant has not been reported in the literature in individuals affected with PTCH2-related conditions. ClinVar contains an entry for this variant (Variation ID: 646239). Invitae Evidence Modeling of protein sequence and biophysical properties (such as structural, functional, and spatial information, amino acid conservation, physicochemical variation, residue mobility, and thermodynamic stability) indicates that this missense variant is expected to disrupt PTCH2 protein function with a positive predictive value of 80%. In summary, the available evidence is currently insufficient to determine the role of this variant in disease. Therefore, it has been classified as a Variant of Uncertain Significance.

Fulgent Genetics
Classification: Uncertain significance for Medulloblastoma; Basal cell carcinoma, susceptibility to, 1. Last evaluated: 2024-06-18. Review status: criteria provided, single submitter. Criteria: ACMG Guidelines, 2015. Collection method: clinical testing. Allele origin: germline.